The following is an entry in ClinVar:

ClinVar aggregate classification (germline): Uncertain significance (1 of 4 stars; one submission).

Conditions:
Specific granule deficiency. Identifiers: Orphanet 169142, MedGen C0398593, MONDO:0009506.

Allele frequency attached by ClinVar (database versions not stated): gnomAD exomes below 0.00001; gnomAD 0.00001; TOPMed 0.00001.

Submission:

Labcorp Genetics (formerly Invitae), Labcorp
Classification: Uncertain significance for Specific granule deficiency. Last evaluated: 2020-08-03. Review status: criteria provided, single submitter. Criteria: Invitae Variant Classification Sherloc (09022015). Collection method: clinical testing. Allele origin: germline.
Comment: This sequence change replaces isoleucine with valine at codon 274 of the CEBPE protein (p.Ile274Val). The isoleucine residue is highly conserved and there is a small physicochemical difference between isoleucine and valine. This variant is not present in population databases (ExAC no frequency). This variant has not been reported in the literature in individuals with CEBPE-related conditions. Algorithms developed to predict the effect of missense changes on protein structure and function (SIFT, PolyPhen-2, Align-GVGD) all suggest that this variant is likely to be tolerated, but these predictions have not been confirmed by published functional studies and their clinical significance is uncertain. In summary, the available evidence is currently insufficient to determine the role of this variant in disease. Therefore, it has been classified as a Variant of Uncertain Significance.

NM_001805.4(CEBPE):c.820A>G (p.Ile274Val)

Gene: CEBPE (CCAAT enhancer binding protein epsilon; minus strand). Cytogenetic location: 14q11.2.
Variant type: single nucleotide variant.
Coding change: c.820A>G on transcript NM_001805.4 (MANE Select); coding-DNA position 820, A replaced by G.
Protein change: p.Ile274Val; replaces isoleucine 274 with valine.
Molecular consequence: missense variant.
Genome position (GRCh38, 1-based): chr14:23,117,513, T>C on the plus strand (A>G on the coding strand, the complement: CEBPE is on the minus strand). VCF-style: chr14-23117513-T-C. GRCh37 (hg19) VCF-style: chr14-23586722-T-C.
Other names: short protein forms I274V.
Identifiers: ClinVar variation 1007479 (VCV001007479.7), dbSNP rs1431194938, ClinGen allele CA388951460.